The following is an entry in ClinVar:

ClinVar aggregate classification (germline): Uncertain significance (1 of 4 stars; one submission).

Conditions:
Congenital myasthenic syndrome 4A. Also called: Myasthenic syndrome, congenital, 4a, slow-channel; CONGENITAL MYASTHENIC SYNDROME TYPE Ia1; MYASTHENIC SYNDROME, CONGENITAL, 4A, SLOW-CHANNEL, AUTOSOMAL RECESSIVE. Identifiers: Orphanet 590, MedGen C4225413, MONDO:0011600, OMIM 605809.

Submission:

Labcorp Genetics (formerly Invitae), Labcorp
Classification: Uncertain significance for Congenital myasthenic syndrome 4A. Last evaluated: 2024-08-23. Review status: criteria provided, single submitter. Criteria: Invitae Variant Classification Sherloc (09022015). Collection method: clinical testing. Allele origin: germline.
Comment: This sequence change replaces alanine, which is neutral and non-polar, with proline, which is neutral and non-polar, at codon 372 of the CHRNE protein (p.Ala372Pro). This variant is not present in population databases (gnomAD no frequency). This variant has not been reported in the literature in individuals affected with CHRNE-related conditions. Invitae Evidence Modeling of protein sequence and biophysical properties (such as structural, functional, and spatial information, amino acid conservation, physicochemical variation, residue mobility, and thermodynamic stability) indicates that this missense variant is not expected to disrupt CHRNE protein function with a negative predictive value of 95%. In summary, the available evidence is currently insufficient to determine the role of this variant in disease. Therefore, it has been classified as a Variant of Uncertain Significance.

NM_000080.4(CHRNE):c.1114G>C (p.Ala372Pro)

Genes: CHRNE (cholinergic receptor nicotinic epsilon subunit; minus strand), LOC130060041 (ATAC-STARR-seq lymphoblastoid silent region 8050; plus strand). Cytogenetic location: 17p13.2.
Variant type: single nucleotide variant.
Coding change: c.1114G>C on transcript NM_000080.4 (MANE Select); coding-DNA position 1114, G replaced by C.
Protein change: p.Ala372Pro; replaces alanine 372 with proline.
Molecular consequence: missense variant.
Genome position (GRCh38, 1-based): chr17:4,899,303, C>G on the plus strand (G>C on the coding strand, the complement: CHRNE is on the minus strand). VCF-style: chr17-4899303-C-G. GRCh37 (hg19) VCF-style: chr17-4802598-C-G.
Other names: short protein forms A372P.
Identifiers: ClinVar variation 3634418 (VCV003634418.2).